The following is an entry in ClinVar:

ClinVar aggregate classification (germline): Uncertain significance. Review status: criteria provided, multiple submitters, no conflicts (2 of 4 stars). 2 submissions from 2 submitters: Uncertain significance (2). Last evaluated 2025-06-05.

Conditions:
Loeys-Dietz syndrome 2 (LDS2). Also called: TGFBR2-Related Loeys-Dietz Syndrome; AORTIC ANEURYSM, FAMILIAL THORACIC 3; MARFAN SYNDROME, TYPE II; Marfan syndrome, type 2 (formerly); Marfan Syndrome type 2; Marfan like connective tissue disorder. Identifiers: Orphanet 284973, Orphanet 558, MedGen C2674574, MONDO:0012427, OMIM 610168.

Allele frequency attached by ClinVar (database versions not stated): gnomAD exomes below 0.00001; TOPMed below 0.00001; gnomAD 0.00001.
gnomAD v4.1: 2 of 1,614,002 alleles (0.00012%); highest among the groups gnomAD compares: Non-Finnish European, 0.00017%; no homozygotes.

Submissions (2):

Ambry Genetics
Classification: Uncertain significance. Last evaluated: 2025-06-05. Review status: criteria provided, single submitter. Criteria: Ambry Variant Classification Scheme 2023. Collection method: clinical testing. Allele origin: germline.

Labcorp Genetics (formerly Invitae), Labcorp
Classification: Uncertain significance for Loeys-Dietz syndrome 2. Last evaluated: 2022-04-22. Review status: criteria provided, single submitter. Criteria: Invitae Variant Classification Sherloc (09022015). Collection method: clinical testing. Allele origin: germline.
Comment: In summary, the available evidence is currently insufficient to determine the role of this variant in disease. Therefore, it has been classified as a Variant of Uncertain Significance. Algorithms developed to predict the effect of missense changes on protein structure and function (SIFT, PolyPhen-2, Align-GVGD) all suggest that this variant is likely to be tolerated. This variant has not been reported in the literature in individuals affected with TMPO-related conditions. This variant is not present in population databases (gnomAD no frequency). This sequence change replaces proline, which is neutral and non-polar, with leucine, which is neutral and non-polar, at codon 352 of the TMPO protein (p.Pro352Leu).

NM_001032283.3(TMPO):c.565+1474C>T

Gene: TMPO (thymopoietin; plus strand). Cytogenetic location: 12q23.1.
Variant type: single nucleotide variant.
Coding change: c.565+1474C>T on transcript NM_001032283.3 (MANE Select); 1474 bases into the intron after coding-DNA position 565, C replaced by T.
Molecular consequence: intron variant. On other transcripts: missense variant (1).
Genome position (GRCh38, 1-based): chr12:98,533,312, C>T. VCF-style: chr12-98533312-C-T. GRCh37 (hg19) VCF-style: chr12-98927090-C-T.
Other names: c.1055C>T, p.Pro352Leu (NM_003276.2); c.565+1474C>T (NM_001307975.2, NM_001032284.3); short protein forms P352L.
Identifiers: ClinVar variation 1778364 (VCV001778364.8), dbSNP rs1254912268, ClinGen allele CA386152380.